The following is an entry in ClinVar:

NM_005076.5(CNTN2):c.766C>T (p.Gln256Ter)

Gene: CNTN2 (contactin 2; plus strand). Cytogenetic location: 1q32.1.
Variant type: single nucleotide variant.
Coding change: c.766C>T on transcript NM_005076.5 (MANE Select); coding-DNA position 766, C replaced by T.
Protein change: p.Gln256Ter; replaces glutamine 256 with a stop codon.
Molecular consequence: nonsense. On other transcripts: non-coding transcript variant (1).
Genome position (GRCh38, 1-based): chr1:205,059,651, C>T. VCF-style: chr1-205059651-C-T. GRCh37 (hg19) VCF-style: chr1-205028779-C-T.
Other names: c.766C>T, p.Gln256Ter (NM_001346083.2); short protein forms Q256*.
Identifiers: ClinVar variation 2826422 (VCV002826422.3), dbSNP rs948007639, ClinGen allele CA344407607.

ClinVar aggregate classification (germline): Pathogenic (1 of 4 stars; one submission).

Conditions:
Epilepsy, familial adult myoclonic, 5 (EPEO5). Also called: CORTICAL MYOCLONIC TREMOR WITH EPILEPSY, FAMILIAL, 5. Identifiers: Orphanet 86814, MedGen C3809374, MONDO:0014167, OMIM 615400.

Submission:

Labcorp Genetics (formerly Invitae), Labcorp
Classification: Pathogenic for Epilepsy, familial adult myoclonic, 5. Last evaluated: 2023-08-04. Review status: criteria provided, single submitter. Criteria: Invitae Variant Classification Sherloc (09022015). Collection method: clinical testing. Allele origin: germline.
Comment: This variant is not present in population databases (gnomAD no frequency). This sequence change creates a premature translational stop signal (p.Gln256*) in the CNTN2 gene. It is expected to result in an absent or disrupted protein product. Loss-of-function variants in CNTN2 are known to be pathogenic (PMID: 11178983, 23518707). This variant has not been reported in the literature in individuals affected with CNTN2-related conditions. For these reasons, this variant has been classified as Pathogenic.

Literature cited by the submitters: PubMed 11178983; PubMed 23518707.